The following is an entry in ClinVar:

ClinVar aggregate classification (germline): Uncertain significance (1 of 4 stars; one submission).

Submission:

GeneDx
Classification: Uncertain significance. Last evaluated: 2023-11-06. Review status: criteria provided, single submitter. Criteria: GeneDx Variant Classification Process June 2021. Collection method: clinical testing. Allele origin: germline. Affected: yes.
Comment: Not observed at significant frequency in large population cohorts (gnomAD); In silico analysis supports that this missense variant does not alter protein structure/function; Has not been previously published as pathogenic or benign to our knowledge

NM_014159.7(SETD2):c.6975G>C (p.Gln2325His)

Gene: SETD2 (SET domain containing 2, histone lysine methyltransferase; minus strand). Cytogenetic location: 3p21.31.
Variant type: single nucleotide variant.
Coding change: c.6975G>C on transcript NM_014159.7 (MANE Select); coding-DNA position 6975, G replaced by C.
Protein change: p.Gln2325His; replaces glutamine 2325 with histidine.
Molecular consequence: missense variant. On other transcripts: non-coding transcript variant (1).
Genome position (GRCh38, 1-based): chr3:47,046,610, C>G on the plus strand (G>C on the coding strand, the complement: SETD2 is on the minus strand). VCF-style: chr3-47046610-C-G. GRCh37 (hg19) VCF-style: chr3-47088100-C-G.
Other names: c.6843G>C, p.Gln2281His (NM_001349370.3); short protein forms Q2281H, Q2325H.
Identifiers: ClinVar variation 3363757 (VCV003363757.1).